The following is an entry in ClinVar:

ClinVar aggregate classification (germline): Pathogenic. Review status: reviewed by expert panel (3 of 4 stars). 2 submissions from 2 submitters: Pathogenic (1). 1 of the submissions does not count toward it. Last evaluated 2016-10-18.

Conditions:
Breast-ovarian cancer, familial, susceptibility to, 2 (BROVCA2). Also called: BRCA2 Hereditary Breast and Ovarian Cancer. Identifiers: Orphanet 145, MedGen C2675520, MONDO:0012933, OMIM 612555. Disease mechanism: loss of function.

Submissions (2):

Evidence-based Network for the Interpretation of Germline Mutant Alleles (ENIGMA)
Classification: Pathogenic for Breast-ovarian cancer, familial, susceptibility to, 2. Last evaluated: 2016-10-18. Review status: reviewed by expert panel. Criteria: ENIGMA BRCA1/2 Classification Criteria (2015). Collection method: curation. Allele origin: germline.
Comment: Variant allele predicted to encode a truncated non-functional protein.

Consortium of Investigators of Modifiers of BRCA1/2 (CIMBA), c/o University of Cambridge
Classification: Pathogenic for Breast-ovarian cancer, familial, susceptibility to, 2. Last evaluated: 2015-10-02. Review status: criteria provided, single submitter. Criteria: CIMBA Mutation Classification guidelines May 2016. Collection method: clinical testing. Allele origin: germline. Not counted in ClinVar's aggregate classification.

NM_000059.4(BRCA2):c.2781_2785del (p.Met927fs)

Gene: BRCA2 (BRCA2 DNA repair associated; plus strand). Cytogenetic location: 13q13.1.
Variant type: Deletion.
Coding change: c.2781_2785del on transcript NM_000059.4 (MANE Select); coding-DNA positions 2781 to 2785, 5 bases deleted (GGTTT; older notation c.2781_2785delGGTTT).
Protein change: p.Met927fs; shifts the reading frame from methionine 927.
Molecular consequence: frameshift variant.
Genome position (GRCh38, 1-based): chr13:32,337,136-32,337,140, GGTTT deleted; deleting any 5 consecutive bases within chr13:32,337,135-32,337,140 gives the same sequence; the c. name uses the placement nearest the transcript's 3' end. VCF-style (leftmost placement, unchanged base first): chr13-32337134-ATGGTT-A. GRCh37 (hg19) VCF-style: chr13-32911271-ATGGTT-A.
Other names: 3009del5; short protein forms M927fs.
Identifiers: ClinVar variation 266722 (VCV000266722.5), dbSNP rs886040448, ClinGen allele CA10589174.
Genomic context (GRCh38, chr13:32,337,134, plus strand): 5'-AAGGAACTTCATGAAACAGACTTGACTTGTGTAAACGAACCCATTTTCAAGAACTCTACC[ATGGTT>A]TTATATGGAGACACAGGTGATAAACAAGCAACCCAAGTGTCAATTAAAAAAGATTTGGTT-3'